The following is an entry in ClinVar:

NM_001035.3(RYR2):c.760G>A (p.Glu254Lys)

Gene: RYR2 (ryanodine receptor 2; plus strand). Cytogenetic location: 1q43.
Variant type: single nucleotide variant.
Coding change: c.760G>A on transcript NM_001035.3 (MANE Select); coding-DNA position 760, G replaced by A.
Protein change: p.Glu254Lys; replaces glutamic acid 254 with lysine.
Molecular consequence: missense variant.
Genome position (GRCh38, 1-based): chr1:237,388,170, G>A. VCF-style: chr1-237388170-G-A. GRCh37 (hg19) VCF-style: chr1-237551470-G-A.
Other names: short protein forms E254K.
Identifiers: ClinVar variation 3074494 (VCV003074494.1), dbSNP rs2530219641, ClinGen allele CA345378490.

ClinVar aggregate classification (germline): Uncertain significance (1 of 4 stars; one submission).

Conditions:
Catecholaminergic polymorphic ventricular tachycardia (CVPT). Also called: Catecholamine-induced polymorphic ventricular tachycardia. Identifiers: Orphanet 3286, MedGen C5574922, MONDO:0017990.

Submission:

All of Us Research Program, National Institutes of Health
Classification: Uncertain significance for Catecholaminergic polymorphic ventricular tachycardia. Last evaluated: 2023-11-20. Review status: criteria provided, single submitter. Criteria: ACMG Guidelines, 2015. Collection method: clinical testing. Allele origin: germline. Inheritance: Autosomal dominant inheritance. Observed: 1 variant allele, 1 heterozygote.
Comment: This missense variant replaces glutamic acid with lysine at codon 254 of the RYR2 protein. Computational prediction is inconclusive regarding the impact of this variant on protein structure and function (internally defined REVEL score threshold 0.5 < inconclusive < 0.7, PMID: 27666373). To our knowledge, functional studies have not been reported for this variant. This variant has not been reported in individuals affected with RYR2-related disorders in the literature. This variant has not been identified in the general population by the Genome Aggregation Database (gnomAD). The available evidence is insufficient to determine the role of this variant in disease conclusively. Therefore, this variant is classified as a Variant of Uncertain Significance.

This study involves interpretation of variants in research participants for the purpose of population health screening. Participant phenotype was not available at the time of variant classification. Additional details can be found in publication PMID: 35346344, PMCID: PMC8962531